The following is an entry in ClinVar:

NM_013266.4(CTNNA3):c.971A>G (p.His324Arg)

Gene: CTNNA3 (catenin alpha 3; minus strand). Cytogenetic location: 10q21.3.
Variant type: single nucleotide variant.
Coding change: c.971A>G on transcript NM_013266.4 (MANE Select); coding-DNA position 971, A replaced by G.
Protein change: p.His324Arg; replaces histidine 324 with arginine.
Molecular consequence: missense variant.
Genome position (GRCh38, 1-based): chr10:67,180,393, T>C on the plus strand (A>G on the coding strand, the complement: CTNNA3 is on the minus strand). VCF-style: chr10-67180393-T-C. GRCh37 (hg19) VCF-style: chr10-68940151-T-C.
Other names: c.971A>G, p.His324Arg (NM_001127384.3); c.1007A>G, p.His336Arg (NM_001291133.2); short protein forms H324R, H336R.
Identifiers: ClinVar variation 4235681 (VCV004235681.1).

ClinVar aggregate classification (germline): Uncertain significance (1 of 4 stars; one submission).

gnomAD v4.1: 15 of 1,613,816 alleles (0.00093%); highest among the groups gnomAD compares: South Asian, 0.014%; 1 homozygote.

Submission:

Ambry Genetics
Classification: Uncertain significance. Last evaluated: 2025-08-20. Review status: criteria provided, single submitter. Criteria: Ambry Variant Classification Scheme 2023. Collection method: clinical testing. Allele origin: germline.
Comment: The p.H324R variant (also known as c.971A>G), located in coding exon 6 of the CTNNA3 gene, results from an A to G substitution at nucleotide position 971. The histidine at codon 324 is replaced by arginine, an amino acid with highly similar properties. This amino acid position is conserved. In addition, this alteration is predicted to be tolerated by in silico analysis. Based on the available evidence, the clinical significance of this variant remains unclear.